The following is an entry in ClinVar:

NM_006031.6(PCNT):c.6503C>T (p.Ser2168Phe)

Gene: PCNT (pericentrin; plus strand). Cytogenetic location: 21q22.3.
Variant type: single nucleotide variant.
Coding change: c.6503C>T on transcript NM_006031.6 (MANE Select); coding-DNA position 6503, C replaced by T.
Protein change: p.Ser2168Phe; replaces serine 2168 with phenylalanine.
Molecular consequence: missense variant.
Genome position (GRCh38, 1-based): chr21:46,416,421, C>T. VCF-style: chr21-46416421-C-T. GRCh37 (hg19) VCF-style: chr21-47836335-C-T.
Other names: c.6149C>T, p.Ser2050Phe (NM_001315529.2); short protein forms S2050F, S2168F.
Identifiers: ClinVar variation 4979195 (VCV004979195.1).

ClinVar aggregate classification (germline): Uncertain significance (1 of 4 stars; one submission).

Conditions:
PCNT-related disorder. Also called: PCNT-related condition.

gnomAD v4.1: 10 of 1,614,056 alleles (0.00062%); highest among the groups gnomAD compares: East Asian, 0.02%; no homozygotes.

Submission:

PreventionGenetics, part of Exact Sciences
Classification: Uncertain significance for PCNT-related condition. Last evaluated: 2026-02-09. Review status: criteria provided, single submitter. Criteria: ACMG Guidelines, 2015. Collection method: clinical testing. Allele origin: germline.
Comment: The PCNT c.6503C>T variant is predicted to result in the amino acid substitution p.Ser2168Phe. To our knowledge, this variant has not been reported in the literature. This variant is reported in 0.016% of alleles in individuals of East Asian descent in gnomAD. At this time, the clinical significance of this variant is uncertain due to the absence of conclusive functional and genetic evidence.